The following is an entry in ClinVar:

ClinVar aggregate classification (germline): Uncertain significance. Review status: criteria provided, multiple submitters, no conflicts (2 of 4 stars). 2 submissions from 2 submitters: Uncertain significance (2). Last evaluated 2026-08-01.

Conditions:
Neuropathy, hereditary sensory and autonomic, type 2A (HSAN2A). Also called: NEUROPATHY, CONGENITAL SENSORY; NEUROPATHY, HEREDITARY SENSORY RADICULAR, AUTOSOMAL RECESSIVE; NEUROPATHY, HEREDITARY SENSORY, TYPE IIA; NEUROPATHY, PROGRESSIVE SENSORY, OF CHILDREN; MORVAN DISEASE; HSAN IIA. Identifiers: Orphanet 970, MedGen C2752089, MONDO:0024309, OMIM 201300.
Generalized epilepsy with febrile seizures plus, type 7 (GEFSP7). Also called: GEFS+, TYPE 7. Identifiers: Orphanet 36387, MedGen C2751778, MONDO:0013470, OMIM 613863.

Allele frequency attached by ClinVar (database versions not stated): gnomAD exomes below 0.00001 and 0.00001; ExAC 0.00001; TOPMed 0.00001.
gnomAD v4.1: 3 of 1,612,664 alleles (0.00019%); highest among the groups gnomAD compares: East Asian, 0.0022%; no homozygotes.

Submissions (2):

CeGaT Center for Human Genetics Tuebingen
Classification: Uncertain significance. Last evaluated: 2026-08-01. Review status: criteria provided, single submitter. Criteria: CeGaT Center For Human Genetics Tuebingen Variant Classification Criteria Version 2. Collection method: clinical testing. Allele origin: germline. Affected: yes. Observed: 1 variant allele.
Comment: SCN9A: PM2, BP4

Labcorp Genetics (formerly Invitae), Labcorp
Classification: Uncertain significance for Neuropathy, hereditary sensory and autonomic, type 2A; Generalized epilepsy with febrile seizures plus, type 7. Last evaluated: 2024-05-25. Review status: criteria provided, single submitter. Criteria: Invitae Variant Classification Sherloc (09022015). Collection method: clinical testing. Allele origin: germline.
Comment: This sequence change replaces glycine, which is neutral and non-polar, with arginine, which is basic and polar, at codon 1127 of the SCN9A protein (p.Gly1127Arg). This variant is present in population databases (rs748920376, gnomAD 0.006%). This variant has not been reported in the literature in individuals affected with SCN9A-related conditions. ClinVar contains an entry for this variant (Variation ID: 569568). Advanced modeling of protein sequence and biophysical properties (such as structural, functional, and spatial information, amino acid conservation, physicochemical variation, residue mobility, and thermodynamic stability) performed at Invitae indicates that this missense variant is not expected to disrupt SCN9A protein function with a negative predictive value of 95%. In summary, the available evidence is currently insufficient to determine the role of this variant in disease. Therefore, it has been classified as a Variant of Uncertain Significance.

NM_001365536.1(SCN9A):c.3412G>A (p.Gly1138Arg)

Genes: SCN9A (sodium voltage-gated channel alpha subunit 9; minus strand), SCN1A-AS1 (SCN1A and SCN9A antisense RNA 1; plus strand). Cytogenetic location: 2q24.3.
Variant type: single nucleotide variant.
Coding change: c.3412G>A on transcript NM_001365536.1 (MANE Select); coding-DNA position 3412, G replaced by A.
Protein change: p.Gly1138Arg; replaces glycine 1138 with arginine.
Molecular consequence: missense variant. On other transcripts: non-coding transcript variant (1).
Genome position (GRCh38, 1-based): chr2:166,251,825, C>T on the plus strand (G>A on the coding strand, the complement: SCN9A is on the minus strand). VCF-style: chr2-166251825-C-T. GRCh37 (hg19) VCF-style: chr2-167108335-C-T.
Other names: c.3379G>A, p.Gly1127Arg (NM_002977.4); short protein forms G1127R, G1138R.
Identifiers: ClinVar variation 569568 (VCV000569568.11), dbSNP rs748920376, ClinGen allele CA1944064.